The following is an entry in ClinVar:

ClinVar aggregate classification (germline): Uncertain significance (1 of 4 stars; one submission).

Conditions:
Combined immunodeficiency due to STIM1 deficiency. Also called: STIM1 DEFICIENCY; IMMUNODEFICIENCY 10. Identifiers: Orphanet 169090, Orphanet 317430, MedGen C2748557, MONDO:0013008, OMIM 612783.
Myopathy with tubular aggregates (TAM). Also called: Tubular Aggregate Myopathy. Identifiers: Orphanet 2593, MedGen C0410207, MONDO:0008051.
Stormorken syndrome (STRMK). Also called: THROMBOCYTOPATHY, ASPLENIA, AND MIOSIS. Identifiers: Orphanet 3204, MedGen C1861451, MONDO:0008497, OMIM 185070.

Submission:

Labcorp Genetics (formerly Invitae), Labcorp
Classification: Uncertain significance for Myopathy with tubular aggregates; Combined immunodeficiency due to STIM1 deficiency; Stormorken syndrome. Last evaluated: 2022-08-23. Review status: criteria provided, single submitter. Criteria: Invitae Variant Classification Sherloc (09022015). Collection method: clinical testing. Allele origin: germline.
Comment: ClinVar contains an entry for this variant (Variation ID: 1400818). In summary, the available evidence is currently insufficient to determine the role of this variant in disease. Therefore, it has been classified as a Variant of Uncertain Significance. Algorithms developed to predict the effect of missense changes on protein structure and function (SIFT, PolyPhen-2, Align-GVGD) all suggest that this variant is likely to be tolerated. This variant has not been reported in the literature in individuals affected with STIM1-related conditions. This variant is not present in population databases (gnomAD no frequency). This sequence change replaces arginine, which is basic and polar, with leucine, which is neutral and non-polar, at codon 640 of the STIM1 protein (p.Arg640Leu).

NM_001382567.1(STIM1):c.2012G>T (p.Arg671Leu)

Genes: STIM1 (stromal interaction molecule 1; plus strand), LOC124418421 (Sharpr-MPRA regulatory region 9588; plus strand). Cytogenetic location: 11p15.4.
Variant type: single nucleotide variant.
Coding change: c.2012G>T on transcript NM_001382567.1 (MANE Select); coding-DNA position 2012, G replaced by T.
Protein change: p.Arg671Leu; replaces arginine 671 with leucine.
Molecular consequence: missense variant. On other transcripts: 3 prime UTR variant (4), non-coding transcript variant (3).
Genome position (GRCh38, 1-based): chr11:4,091,659, G>T. VCF-style: chr11-4091659-G-T. GRCh37 (hg19) VCF-style: chr11-4112889-G-T.
Other names: c.2237G>T, p.Arg746Leu (NM_001277961.3); c.*333G>T (NM_001277962.2, NM_001382578.1, NM_001382579.1 and 1 more transcripts); c.2015G>T, p.Arg672Leu (NM_001382566.1); c.1940G>T, p.Arg647Leu (NM_001382568.1); c.1784G>T, p.Arg595Leu (NM_001382569.1); c.1691G>T, p.Arg564Leu (NM_001382570.1); c.1439G>T, p.Arg480Leu (NM_001382571.1); c.1697G>T, p.Arg566Leu (NM_001382575.1, NM_001382576.1, NM_001382577.1); and 2 more; short protein forms R746L, R566L, R595L, R477L, R640L, R647L, R671L, R672L.
Identifiers: ClinVar variation 1400818 (VCV001400818.11), dbSNP rs769001716, ClinGen allele CA379197929.